The following is an entry in ClinVar:

ClinVar aggregate classification (germline): Uncertain significance. Review status: criteria provided, multiple submitters, no conflicts (2 of 4 stars). 2 submissions from 2 submitters: Uncertain significance (2). Last evaluated 2024-03-08.

Conditions:
Hereditary nonpolyposis colorectal neoplasms. Identifiers: MedGen C0009405, MeSH D003123.
Hereditary cancer-predisposing syndrome. Also called: Neoplastic Syndromes, Hereditary; Tumor predisposition; Hereditary neoplastic syndrome; Hereditary Cancer Syndrome. Identifiers: Orphanet 140162, MedGen C0027672, MeSH D009386, MONDO:0015356.

Allele frequency attached by ClinVar (database versions not stated): gnomAD exomes below 0.00001 and 0.00002; TOPMed below 0.00001; gnomAD 0.00001; ExAC 0.00002.
gnomAD v4.1: 8 of 1,614,036 alleles (0.0005%); highest among the groups gnomAD compares: South Asian, 0.0066%; no homozygotes.

Submissions (2):

Ambry Genetics
Classification: Uncertain significance for Hereditary cancer-predisposing syndrome. Last evaluated: 2024-03-08. Review status: criteria provided, single submitter. Criteria: Ambry Variant Classification Scheme 2023. Collection method: clinical testing. Allele origin: germline.
Comment: The p.N204D variant (also known as c.610A>G), located in coding exon 6 of the PMS2 gene, results from an A to G substitution at nucleotide position 610. The asparagine at codon 204 is replaced by aspartic acid, an amino acid with highly similar properties. This amino acid position is highly conserved in available vertebrate species. In addition, the in silico prediction for this alteration is inconclusive. Based on the available evidence, the clinical significance of this alteration remains unclear.

Labcorp Genetics (formerly Invitae), Labcorp
Classification: Uncertain significance for Hereditary nonpolyposis colorectal neoplasms. Last evaluated: 2023-05-31. Review status: criteria provided, single submitter. Criteria: Invitae Variant Classification Sherloc (09022015). Collection method: clinical testing. Allele origin: germline.
Comment: This sequence change replaces asparagine, which is neutral and polar, with aspartic acid, which is acidic and polar, at codon 204 of the PMS2 protein (p.Asn204Asp). This variant is present in population databases (rs746910555, gnomAD 0.02%). This variant has not been reported in the literature in individuals affected with PMS2-related conditions. ClinVar contains an entry for this variant (Variation ID: 826188). Advanced modeling of protein sequence and biophysical properties (such as structural, functional, and spatial information, amino acid conservation, physicochemical variation, residue mobility, and thermodynamic stability) performed at Invitae indicates that this missense variant is expected to disrupt PMS2 protein function. In summary, the available evidence is currently insufficient to determine the role of this variant in disease. Therefore, it has been classified as a Variant of Uncertain Significance.

Literature cited by the submitters: PubMed 24549055 (cited by Ambry Genetics).

NM_000535.7(PMS2):c.610A>G (p.Asn204Asp)

Gene: PMS2 (PMS1 homolog 2, mismatch repair system component; minus strand). Cytogenetic location: 7p22.1.
Variant type: single nucleotide variant.
Coding change: c.610A>G on transcript NM_000535.7 (MANE Select); coding-DNA position 610, A replaced by G.
Protein change: p.Asn204Asp; replaces asparagine 204 with aspartic acid.
Molecular consequence: missense variant. On other transcripts: 5 prime UTR variant (2), non-coding transcript variant (1), intron variant (1).
Genome position (GRCh38, 1-based): chr7:5,999,203, T>C on the plus strand (A>G on the coding strand, the complement: PMS2 is on the minus strand). VCF-style: chr7-5999203-T-C. GRCh37 (hg19) VCF-style: chr7-6038834-T-C.
Other names: c.205A>G, p.Asn69Asp (NM_001322003.2, NM_001322004.2, NM_001322005.2 and 2 more transcripts); c.610A>G, p.Asn204Asp (NM_001322006.2, NM_001322014.2); c.292A>G, p.Asn98Asp (NM_001322007.2, NM_001322008.2); c.-324A>G (NM_001322011.2, NM_001322012.2); c.301A>G, p.Asn101Asp (NM_001322015.2); c.133-1780A>G (NM_001322013.2); short protein forms N101D, N204D, N98D, N69D.
Identifiers: ClinVar variation 826188 (VCV000826188.14), dbSNP rs746910555, ClinGen allele CA050594.